The following is an entry in ClinVar:

NM_001080512.3(BICC1):c.1256G>A (p.Ser419Asn)

Gene: BICC1 (BicC family RNA binding protein 1; plus strand). Cytogenetic location: 10q21.1.
Variant type: single nucleotide variant.
Coding change: c.1256G>A on transcript NM_001080512.3 (MANE Select); coding-DNA position 1256, G replaced by A.
Protein change: p.Ser419Asn; replaces serine 419 with asparagine.
Molecular consequence: missense variant.
Genome position (GRCh38, 1-based): chr10:58,796,416, G>A. VCF-style: chr10-58796416-G-A. GRCh37 (hg19) VCF-style: chr10-60556176-G-A.
Other names: short protein forms S419N.
Identifiers: ClinVar variation 3681366 (VCV003681366.2).

ClinVar aggregate classification (germline): Uncertain significance (1 of 4 stars; one submission).

gnomAD v4.1: 2 of 1,614,004 alleles (0.00012%); highest among the groups gnomAD compares: African/African-American, 0.0013%; no homozygotes.

Submission:

Labcorp Genetics (formerly Invitae), Labcorp
Classification: Uncertain significance. Last evaluated: 2024-11-11. Review status: criteria provided, single submitter. Criteria: Invitae Variant Classification Sherloc (09022015). Collection method: clinical testing. Allele origin: germline.
Comment: This sequence change replaces serine, which is neutral and polar, with asparagine, which is neutral and polar, at codon 419 of the BICC1 protein (p.Ser419Asn). This variant is not present in population databases (gnomAD no frequency). This variant has not been reported in the literature in individuals affected with BICC1-related conditions. An algorithm developed to predict the effect of missense changes on protein structure and function (PolyPhen-2) suggests that this variant is likely to be disruptive. In summary, the available evidence is currently insufficient to determine the role of this variant in disease. Therefore, it has been classified as a Variant of Uncertain Significance.